The following is an entry in ClinVar:

ClinVar aggregate classification (germline): Uncertain significance (1 of 4 stars; one submission).

gnomAD v4.1: 6 of 1,614,028 alleles (0.00037%); highest among the groups gnomAD compares: Admixed American, 0.01%; no homozygotes.

Submission:

Labcorp Genetics (formerly Invitae), Labcorp
Classification: Uncertain significance. Last evaluated: 2022-03-15. Review status: criteria provided, single submitter. Criteria: Invitae Variant Classification Sherloc (09022015). Collection method: clinical testing. Allele origin: germline.
Comment: This sequence change replaces valine, which is neutral and non-polar, with methionine, which is neutral and non-polar, at codon 1201 of the GBF1 protein (p.Val1201Met). This variant is present in population databases (rs199813163, gnomAD 0.01%). This variant has not been reported in the literature in individuals affected with GBF1-related conditions. Algorithms developed to predict the effect of missense changes on protein structure and function are either unavailable or do not agree on the potential impact of this missense change (SIFT: "Deleterious"; PolyPhen-2: "Probably Damaging"; Align-GVGD: "Class C0"). In summary, the available evidence is currently insufficient to determine the role of this variant in disease. Therefore, it has been classified as a Variant of Uncertain Significance.

NM_001377137.1(GBF1):c.3604G>A (p.Val1202Met)

Gene: GBF1 (golgi brefeldin A resistant guanine nucleotide exchange factor 1; plus strand). Cytogenetic location: 10q24.32.
Variant type: single nucleotide variant.
Coding change: c.3604G>A on transcript NM_001377137.1 (MANE Select); coding-DNA position 3604, G replaced by A.
Protein change: p.Val1202Met; replaces valine 1202 with methionine.
Molecular consequence: missense variant. On other transcripts: non-coding transcript variant (5).
Genome position (GRCh38, 1-based): chr10:102,370,804, G>A. VCF-style: chr10-102370804-G-A. GRCh37 (hg19) VCF-style: chr10-104130561-G-A.
Other names: c.3604G>A, p.Val1202Met (NM_001199378.2, NM_001391923.1); c.3601G>A, p.Val1201Met (NM_001199379.2, NM_001377141.1, NM_001391924.1 and 3 more transcripts); c.3565G>A, p.Val1189Met (NM_001377138.1, NM_001391925.1); c.3307G>A, p.Val1103Met (NM_001377139.1, NM_001377140.1); c.3700G>A, p.Val1234Met (NM_001391922.1, NM_001411027.1); c.3568G>A, p.Val1190Met (NM_001391926.1); c.3460G>A, p.Val1154Met (NM_001391928.1); c.3364G>A, p.Val1122Met (NM_001391929.1); and 2 more; short protein forms V1075M, V1103M, V1122M, V1154M, V1189M, V1190M, V1201M, V1202M.
Identifiers: ClinVar variation 2420576 (VCV002420576.6), dbSNP rs199813163, ClinGen allele CA5663833.